The following is an entry in ClinVar:

NM_001005373.4(LRSAM1):c.903+1G>T

Gene: LRSAM1 (leucine rich repeat and sterile alpha motif containing 1; plus strand). Cytogenetic location: 9q33.3.
Variant type: single nucleotide variant.
Coding change: c.903+1G>T on transcript NM_001005373.4 (MANE Select); the canonical splice donor site of the intron after coding-DNA position 903, G replaced by T.
Molecular consequence: splice donor variant.
Genome position (GRCh38, 1-based): chr9:127,479,506, G>T. VCF-style: chr9-127479506-G-T. GRCh37 (hg19) VCF-style: chr9-130241785-G-T.
Other names: c.903+1G>T (NM_138361.5, NM_001384142.1, NM_001384143.1 and 2 more transcripts); c.114+1G>T (NM_001384144.1).
Identifiers: ClinVar variation 1471241 (VCV001471241.6), dbSNP rs1272943113, ClinGen allele CA374931349.

ClinVar aggregate classification (germline): Likely pathogenic (1 of 4 stars; one submission).

Conditions:
Charcot-Marie-Tooth disease axonal type 2P. Also called: CHARCOT-MARIE-TOOTH DISEASE, AXONAL, TYPE 2G; CMT 2G; CHARCOT-MARIE-TOOTH NEUROPATHY, TYPE 2P; Charcot-Marie-Tooth Neuropathy Type 2G. Identifiers: Orphanet 300319, Orphanet 99941, MedGen C3280797, MONDO:0013753, OMIM 614436.

Allele frequency attached by ClinVar (database versions not stated): gnomAD exomes below 0.00001.
gnomAD v4.1: 2 of 1,613,764 alleles (0.00012%); highest among the groups gnomAD compares: Admixed American, 0.0017%; no homozygotes.

Submission:

Labcorp Genetics (formerly Invitae), Labcorp
Classification: Likely pathogenic for Charcot-Marie-Tooth disease axonal type 2P. Last evaluated: 2024-06-21. Review status: criteria provided, single submitter. Criteria: Invitae Variant Classification Sherloc (09022015). Collection method: clinical testing. Allele origin: germline.
Comment: This sequence change affects a donor splice site in intron 12 of the LRSAM1 gene. It is expected to disrupt RNA splicing. Variants that disrupt the donor or acceptor splice site typically lead to a loss of protein function (PMID: 16199547), and loss-of-function variants in LRSAM1 are known to be pathogenic (PMID: 20865121, 33414056). This variant is present in population databases (no rsID available, gnomAD 0.003%). This variant has not been reported in the literature in individuals affected with LRSAM1-related conditions. ClinVar contains an entry for this variant (Variation ID: 1471241). Algorithms developed to predict the effect of sequence changes on RNA splicing suggest that this variant may disrupt the consensus splice site. In summary, the currently available evidence indicates that the variant is pathogenic, but additional data are needed to prove that conclusively. Therefore, this variant has been classified as Likely Pathogenic.

Literature cited by the submitters: PubMed 16199547; PubMed 20865121; PubMed 33414056.